The following is an entry in ClinVar:

NM_139318.5(KCNH5):c.184A>T (p.Ser62Cys)

Gene: KCNH5 (potassium voltage-gated channel subfamily H member 5; minus strand). Cytogenetic location: 14q23.2.
Variant type: single nucleotide variant.
Coding change: c.184A>T on transcript NM_139318.5 (MANE Select); coding-DNA position 184, A replaced by T.
Protein change: p.Ser62Cys; replaces serine 62 with cysteine.
Molecular consequence: missense variant.
Genome position (GRCh38, 1-based): chr14:63,016,844, T>A on the plus strand (A>T on the coding strand, the complement: KCNH5 is on the minus strand). VCF-style: chr14-63016844-T-A. GRCh37 (hg19) VCF-style: chr14-63483562-T-A.
Other names: c.184A>T, p.Ser62Cys (NM_172375.3); short protein forms S62C.
Identifiers: ClinVar variation 3653049 (VCV003653049.2).
Genomic context (GRCh38, chr14:63,016,844, plus strand): 5'-TTTTTGTTAAATTTCAGAAAAGATTACTTAGCTATTCTGTTACCTACCTGCAAGTGCTGC[T>A]TTTCTGCATGACGTCAGCTCGATGATATCCAGAGAGTTTACAAAAACCGTCATTACTATA-3'
Protein context (NP_647479.2, residues 52-72): GYHRADVMQK[Ser62Cys]STCSFMYGEL

ClinVar aggregate classification (germline): Uncertain significance (1 of 4 stars; one submission).

Conditions:
Early-infantile DEE. Also called: Ohtahara syndrome; Early infantile epileptic encephalopathy; Early infantile epileptic encephalopathy with suppression bursts. Identifiers: Orphanet 1934, MedGen C0393706, MONDO:0800491.

gnomAD v4.1: 4 of 1,610,472 alleles (0.00025%); highest among the groups gnomAD compares: East Asian, 0.0089%; no homozygotes.

Submission:

Labcorp Genetics (formerly Invitae), Labcorp
Classification: Uncertain significance for Early-infantile DEE. Last evaluated: 2024-10-04. Review status: criteria provided, single submitter. Criteria: Invitae Variant Classification Sherloc (09022015). Collection method: clinical testing. Allele origin: germline.
Comment: This sequence change replaces serine, which is neutral and polar, with cysteine, which is neutral and slightly polar, at codon 62 of the KCNH5 protein (p.Ser62Cys). This variant is present in population databases (rs763344071, gnomAD 0.006%). This variant has not been reported in the literature in individuals affected with KCNH5-related conditions. Invitae Evidence Modeling of protein sequence and biophysical properties (such as structural, functional, and spatial information, amino acid conservation, physicochemical variation, residue mobility, and thermodynamic stability) indicates that this missense variant is not expected to disrupt KCNH5 protein function with a negative predictive value of 80%. In summary, the available evidence is currently insufficient to determine the role of this variant in disease. Therefore, it has been classified as a Variant of Uncertain Significance.